The following is an entry in ClinVar:

NM_001146227.3(RPS20):c.334-9G>C

Gene: RPS20 (ribosomal protein S20; minus strand). Cytogenetic location: 8q12.1.
Variant type: single nucleotide variant.
Coding change: c.334-9G>C on transcript NM_001146227.3; 9 bases into the intron before coding-DNA position 334, G replaced by C.
Molecular consequence: intron variant.
Genome position (GRCh38, 1-based): chr8:56,069,842, C>G on the plus strand (G>C on the coding strand, the complement: RPS20 is on the minus strand). VCF-style: chr8-56069842-C-G. GRCh37 (hg19) VCF-style: chr8-56982401-C-G.
Identifiers: ClinVar variation 3256479 (VCV003256479.3).

ClinVar aggregate classification (germline): Likely benign. Review status: criteria provided, multiple submitters, no conflicts (2 of 4 stars). 2 submissions from 2 submitters: Likely benign (2). Last evaluated 2026-08-03.

Conditions:
Familial colorectal cancer type X. Identifiers: Orphanet 440437, MedGen C3896578, MONDO:0018604.

Submissions (2):

Myriad Genetics, Inc.
Classification: Likely benign for Familial colorectal cancer type X. Last evaluated: 2026-08-03. Review status: criteria provided, single submitter. Criteria: Myriad Autosomal Dominant, Autosomal Recessive and X-Linked Classification Criteria (2023). Collection method: clinical testing. Allele origin: unknown.
Comment: This variant is considered likely benign. This variant is intronic and is not expected to impact mRNA splicing.

Center for Genomic Medicine, Rigshospitalet, Copenhagen University Hospital
Classification: Likely benign. Last evaluated: 2025-03-04. Review status: criteria provided, single submitter. Criteria: ACMG Guidelines, 2015. Collection method: clinical testing. Allele origin: germline.